The following is an entry in ClinVar:

NM_004795.4(KL):c.1957A>G (p.Arg653Gly)

Gene: KL (klotho; plus strand). Cytogenetic location: 13q13.1.
Variant type: single nucleotide variant.
Coding change: c.1957A>G on transcript NM_004795.4 (MANE Select); coding-DNA position 1957, A replaced by G.
Protein change: p.Arg653Gly; replaces arginine 653 with glycine.
Molecular consequence: missense variant.
Genome position (GRCh38, 1-based): chr13:33,061,036, A>G. VCF-style: chr13-33061036-A-G. GRCh37 (hg19) VCF-style: chr13-33635173-A-G.
Other names: short protein forms R653G.
Identifiers: ClinVar variation 1926172 (VCV001926172.5), dbSNP rs201424506, ClinGen allele CA6944213.

ClinVar aggregate classification (germline): Uncertain significance (1 of 4 stars; one submission).

Allele frequency attached by ClinVar (database versions not stated): gnomAD exomes below 0.00001; ExAC 0.00001; gnomAD 0.00001.
gnomAD v4.1: 4 of 1,611,926 alleles (0.00025%); highest among the groups gnomAD compares: Non-Finnish European, 0.00034%; no homozygotes.

Submission:

Labcorp Genetics (formerly Invitae), Labcorp
Classification: Uncertain significance. Last evaluated: 2024-10-29. Review status: criteria provided, single submitter. Criteria: Invitae Variant Classification Sherloc (09022015). Collection method: clinical testing. Allele origin: germline.
Comment: This sequence change replaces arginine, which is basic and polar, with glycine, which is neutral and non-polar, at codon 653 of the KL protein (p.Arg653Gly). This variant is present in population databases (rs201424506, gnomAD 0.002%). This variant has not been reported in the literature in individuals affected with KL-related conditions. ClinVar contains an entry for this variant (Variation ID: 1926172). Invitae Evidence Modeling of protein sequence and biophysical properties (such as structural, functional, and spatial information, amino acid conservation, physicochemical variation, residue mobility, and thermodynamic stability) indicates that this missense variant is not expected to disrupt KL protein function with a negative predictive value of 80%. In summary, the available evidence is currently insufficient to determine the role of this variant in disease. Therefore, it has been classified as a Variant of Uncertain Significance.